The following is an entry in ClinVar:

ClinVar aggregate classification (germline): Conflicting classifications of pathogenicity. Review status: criteria provided, conflicting classifications (1 of 4 stars). 4 submissions from 4 submitters: Uncertain significance (1); Likely benign (3). Last evaluated 2026-08-12.

Conditions:
ADGRA3-related disorder. Also called: ADGRA3-related condition.

Allele frequency attached by ClinVar (database versions not stated): ExAC 0.00032; gnomAD 0.00088 and 0.00094; 1000 Genomes Project 30x 0.00094; 1000 Genomes Project 0.00100; TOPMed 0.00114; ESP Exome Variant Server 0.00138.
gnomAD v4.1: 299 of 1,614,056 alleles (0.019%); highest among the groups gnomAD compares: African/African-American, 0.34%; no homozygotes.

Submissions (4):

PreventionGenetics, part of Exact Sciences
Classification: Likely benign for ADGRA3-related condition. Last evaluated: 2026-08-12. Review status: criteria provided, single submitter. Criteria: ACMG Guidelines, 2015. Collection method: clinical testing. Allele origin: germline.
Comment: This variant is classified as likely benign based on ACMG/AMP sequence variant interpretation guidelines (Richards et al. 2015 PMID: 25741868, with internal and published modifications).

Labcorp Genetics (formerly Invitae), Labcorp
Classification: Likely benign. Last evaluated: 2026-01-24. Review status: criteria provided, single submitter. Criteria: Invitae Variant Classification Sherloc (09022015). Collection method: clinical testing. Allele origin: germline.

Ambry Genetics
Classification: Uncertain significance. Last evaluated: 2025-08-23. Review status: criteria provided, single submitter. Criteria: Ambry Variant Classification Scheme 2023. Collection method: clinical testing. Allele origin: germline.

Breakthrough Genomics
Classification: Likely benign. Review status: criteria provided, single submitter. Criteria: ACMG Guidelines, 2015. Collection method: not provided. Allele origin: germline. Inheritance: Unknown mechanism. Affected: yes.

NM_145290.4(ADGRA3):c.3251G>A (p.Gly1084Glu)

Gene: ADGRA3 (adhesion G protein-coupled receptor A3; minus strand). Cytogenetic location: 4p15.2.
Variant type: single nucleotide variant.
Coding change: c.3251G>A on transcript NM_145290.4 (MANE Select); coding-DNA position 3251, G replaced by A.
Protein change: p.Gly1084Glu; replaces glycine 1084 with glutamic acid.
Molecular consequence: missense variant.
Genome position (GRCh38, 1-based): chr4:22,388,420, C>T on the plus strand (G>A on the coding strand, the complement: ADGRA3 is on the minus strand). VCF-style: chr4-22388420-C-T. GRCh37 (hg19) VCF-style: chr4-22390043-C-T.
Other names: c.3251G>A (NM_145290.2); short protein forms G1084E.
Identifiers: ClinVar variation 741500 (VCV000741500.14), dbSNP rs138696398, ClinGen allele CA2873405.
Genomic context (GRCh38, chr4:22,388,420, plus strand): 5'-GAAGCACTTTTGTTTGTGCATGAAGACTCCGCACTGCTATTGGGGCATTTGGGTGCCTCT[C>T]CATTCGTCCCATTAGAGTTGGGGGGCTGGACGTTGACTTGCACTGAATACGAGCTCCGTC-3'
Protein context (NP_660333.2, residues 1074-1094): VQPPNSNGTN[Gly1084Glu]EAPKCPNSSA